The following is an entry in ClinVar:

ClinVar aggregate classification (germline): Uncertain significance (1 of 4 stars; one submission).

Conditions:
CHARGE syndrome (CHARGE). Also called: Hittner Hirsch Kreh syndrome; CHARGE ASSOCIATION--COLOBOMA, HEART ANOMALY, CHOANAL ATRESIA, RETARDATION, GENITAL AND EAR ANOMALIES; Coloboma, heart anomaly, choanal atresia, retardation, genital and ear anomalies; CHARGE association; Hall-Hittner syndrome. Identifiers: Orphanet 138, MedGen C0265354, MONDO:0008965.

Submission:

Labcorp Genetics (formerly Invitae), Labcorp
Classification: Uncertain significance for CHARGE syndrome. Last evaluated: 2025-06-02. Review status: criteria provided, single submitter. Criteria: Invitae Variant Classification Sherloc (09022015). Collection method: clinical testing. Allele origin: germline.
Comment: This sequence change replaces glycine, which is neutral and non-polar, with alanine, which is neutral and non-polar, at codon 89 of the SEMA3E protein (p.Gly89Ala). This variant is not present in population databases (gnomAD no frequency). This variant has not been reported in the literature in individuals affected with SEMA3E-related conditions. ClinVar contains an entry for this variant (Variation ID: 2086925). Invitae Evidence Modeling of protein sequence and biophysical properties (such as structural, functional, and spatial information, amino acid conservation, physicochemical variation, residue mobility, and thermodynamic stability) indicates that this missense variant is not expected to disrupt SEMA3E protein function with a negative predictive value of 80%. In summary, the available evidence is currently insufficient to determine the role of this variant in disease. Therefore, it has been classified as a Variant of Uncertain Significance.

NM_012431.3(SEMA3E):c.266G>C (p.Gly89Ala)

Gene: SEMA3E (semaphorin 3E; minus strand). Cytogenetic location: 7q21.11.
Variant type: single nucleotide variant.
Coding change: c.266G>C on transcript NM_012431.3 (MANE Select); coding-DNA position 266, G replaced by C.
Protein change: p.Gly89Ala; replaces glycine 89 with alanine.
Molecular consequence: missense variant.
Genome position (GRCh38, 1-based): chr7:83,490,124, C>G on the plus strand (G>C on the coding strand, the complement: SEMA3E is on the minus strand). VCF-style: chr7-83490124-C-G. GRCh37 (hg19) VCF-style: chr7-83119440-C-G.
Other names: c.86G>C, p.Gly29Ala (NM_001178129.2); short protein forms G89A, G29A.
Identifiers: ClinVar variation 2086925 (VCV002086925.4), dbSNP rs773688938, ClinGen allele CA367937233.
Genomic context (GRCh38, chr7:83,490,124, plus strand): 5'-ATTTCCCCCCTTTTCTATCTCTACTGAAATGCAGTTTGATATTTCTATACCTCTTTATAG[C>G]CGTCACTGATTCTCTCCAAGCTGAGGGAATATACAAGGTCCCTGCCTCCCACGAAGAGCC-3'
Protein context (NP_036563.1, residues 79-99): YSLSLERISD[Gly89Ala]YKEIHWPSTA